The following is an entry in ClinVar:

NM_000038.6(APC):c.6758T>G (p.Leu2253Arg)

Gene: APC (APC regulator of Wnt signaling pathway; plus strand). Cytogenetic location: 5q22.2.
Variant type: single nucleotide variant.
Coding change: c.6758T>G on transcript NM_000038.6 (MANE Select); coding-DNA position 6758, T replaced by G.
Protein change: p.Leu2253Arg; replaces leucine 2253 with arginine.
Molecular consequence: missense variant.
Genome position (GRCh38, 1-based): chr5:112,842,352, T>G. VCF-style: chr5-112842352-T-G. GRCh37 (hg19) VCF-style: chr5-112178049-T-G.
Other names: c.6758T>G, p.Leu2253Arg (NM_001127510.3, NM_001354895.2, NM_001407450.1); c.6704T>G, p.Leu2235Arg (NM_001127511.3); c.6812T>G, p.Leu2271Arg (NM_001354896.2, NM_001407447.1, NM_001407448.1 and 1 more transcripts); c.6788T>G, p.Leu2263Arg (NM_001354897.2); c.6683T>G, p.Leu2228Arg (NM_001354898.2); c.6674T>G, p.Leu2225Arg (NM_001354899.2); c.6635T>G, p.Leu2212Arg (NM_001354900.2); c.6581T>G, p.Leu2194Arg (NM_001354901.2, NM_001407453.1); and 11 more; short protein forms L2093R, L2124R, L2170R, L2194R, L2243R, L2246R, L1970R, L2127R.
Identifiers: ClinVar variation 1755262 (VCV001755262.3), dbSNP rs2149972465, ClinGen allele CA16036096.

ClinVar aggregate classification (germline): Uncertain significance. Review status: criteria provided, multiple submitters, no conflicts (2 of 4 stars). 2 submissions from 2 submitters: Uncertain significance (2). Last evaluated 2025-11-01.

Conditions:
Hereditary cancer-predisposing syndrome. Also called: Neoplastic Syndromes, Hereditary; Tumor predisposition; Hereditary Cancer Syndrome; Hereditary neoplastic syndrome. Identifiers: Orphanet 140162, MedGen C0027672, MeSH D009386, MONDO:0015356.

Submissions (2):

Quest Diagnostics Nichols Institute San Juan Capistrano
Classification: Uncertain significance. Last evaluated: 2025-11-01. Review status: criteria provided, single submitter. Criteria: Quest Diagnostics criteria. Collection method: clinical testing. Allele origin: unknown.
Comment: The APC c.6758T>G (p.Leu2253Arg) variant has not been reported in individuals with APC-related conditions in the published literature. This variant has not been reported in large, multi-ethnic general populations (Genome Aggregation Database). Analysis of this variant using bioinformatics tools for the prediction of the effect of amino acid changes on protein structure and function yielded predictions that this variant is benign. Additional analysis using software algorithms for the prediction of the effect of nucleotide changes on APC mRNA splicing yielded predictions that this variant may result in the gain of a cryptic splice site without affecting the natural splice sites. Based on the available information, we are unable to determine the clinical significance of this variant.

Ambry Genetics
Classification: Uncertain significance for Hereditary cancer-predisposing syndrome. Last evaluated: 2022-10-17. Review status: criteria provided, single submitter. Criteria: Ambry Variant Classification Scheme 2023. Collection method: clinical testing. Allele origin: germline.
Comment: The p.L2253R variant (also known as c.6758T>G), located in coding exon 15 of the APC gene, results from a T to G substitution at nucleotide position 6758. The leucine at codon 2253 is replaced by arginine, an amino acid with dissimilar properties. This amino acid position is conserved. In addition, in silico predictors for this gene do not accurately predict pathogenicity. Since supporting evidence is limited at this time, the clinical significance of this alteration remains unclear.